The following is an entry in ClinVar:

NM_001145026.2(PTPRQ):c.6261G>C (p.Trp2087Cys)

Gene: PTPRQ (protein tyrosine phosphatase receptor type Q; plus strand). Cytogenetic location: 12q21.31.
Variant type: single nucleotide variant.
Coding change: c.6261G>C on transcript NM_001145026.2 (MANE Select); coding-DNA position 6261, G replaced by C.
Protein change: p.Trp2087Cys; replaces tryptophan 2087 with cysteine.
Molecular consequence: missense variant.
Genome position (GRCh38, 1-based): chr12:80,669,075, G>C. VCF-style: chr12-80669075-G-C. GRCh37 (hg19) VCF-style: chr12-81062854-G-C.
Other names: short protein forms W2087C.
Identifiers: ClinVar variation 4982446 (VCV004982446.1).

ClinVar aggregate classification (germline): Uncertain significance (1 of 4 stars; one submission).

Conditions:
PTPRQ-related disorder. Also called: PTPRQ-related condition.

gnomAD v4.1: 57 of 1,550,480 alleles (0.0037%); highest among the groups gnomAD compares: Middle Eastern, 0.017%; no homozygotes.

Submission:

PreventionGenetics, part of Exact Sciences
Classification: Uncertain significance for PTPRQ-related condition. Last evaluated: 2025-10-12. Review status: criteria provided, single submitter. Criteria: ACMG Guidelines, 2015. Collection method: clinical testing. Allele origin: germline.
Comment: The PTPRQ c.6261G>C variant is predicted to result in the amino acid substitution p.Trp2087Cys. To our knowledge, this variant has not been reported in the literature. This variant is reported in 0.0081% of alleles in individuals of European (Non-Finnish) descent in gnomAD. At this time, the clinical significance of this variant is uncertain due to the absence of conclusive functional and genetic evidence.